The following is an entry in ClinVar:

NM_030962.4(SBF2):c.5231+13A>G

Genes: SBF2 (SET binding factor 2; minus strand), SBF2-AS1 (SBF2 antisense RNA 1; plus strand), LOC105369149 (uncharacterized LOC105369149; plus strand). Cytogenetic location: 11p15.4.
Variant type: single nucleotide variant.
Coding change: c.5231+13A>G on transcript NM_030962.4 (MANE Select); 13 bases into the intron after coding-DNA position 5231, A replaced by G.
Molecular consequence: intron variant.
Genome position (GRCh38, 1-based): chr11:9,785,112, T>C on the plus strand (A>G on the coding strand, the complement: SBF2 is on the minus strand). VCF-style: chr11-9785112-T-C. GRCh37 (hg19) VCF-style: chr11-9806659-T-C.
Other names: c.5102+13A>G (NM_001386342.1); c.5327+13A>G (NM_001386339.1).
Identifiers: ClinVar variation 883721 (VCV000883721.8), dbSNP rs1242027664, ClinGen allele CA597901308.

ClinVar aggregate classification (germline): Conflicting classifications of pathogenicity. Review status: criteria provided, conflicting classifications (1 of 4 stars). 3 submissions from 3 submitters: Uncertain significance (1); Likely benign (2). Last evaluated 2026-07-22.

Conditions:
Charcot-Marie-Tooth disease type 4B2. Also called: CHARCOT-MARIE-TOOTH DISEASE, DEMYELINATING, TYPE 4B2; Charcot-Marie-Tooth Neuropathy Type 4B2; CMT 4B2; CHARCOT-MARIE-TOOTH DISEASE, WITH FOCALLY FOLDED MYELIN SHEATHS, AUTOSOMAL RECESSIVE, TYPE 4B2. Identifiers: Orphanet 99956, MedGen C1858278, MONDO:0011475, OMIM 604563.
Charcot-Marie-Tooth disease type 4. Also called: Charcot-Marie-Tooth disease, type IV; Charcot-Marie-Tooth, Type 4. Identifiers: Orphanet 64749, MedGen C4082197, MONDO:0018995.
SBF2-related disorder. Also called: SBF2-related condition.

Allele frequency attached by ClinVar (database versions not stated): gnomAD exomes 0.00001 and 0.00002; TOPMed 0.00002.
gnomAD v4.1: 6 of 1,611,874 alleles (0.00037%); highest among the groups gnomAD compares: Admixed American, 0.0083%; no homozygotes.

Submissions (3):

PreventionGenetics, part of Exact Sciences
Classification: Likely benign for SBF2-related condition. Last evaluated: 2026-07-22. Review status: criteria provided, single submitter. Criteria: ACMG Guidelines, 2015. Collection method: clinical testing. Allele origin: germline.
Comment: This variant is classified as likely benign based on ACMG/AMP sequence variant interpretation guidelines (Richards et al. 2015 PMID: 25741868, with internal and published modifications).

Labcorp Genetics (formerly Invitae), Labcorp
Classification: Likely benign for Charcot-Marie-Tooth disease type 4. Last evaluated: 2023-08-01. Review status: criteria provided, single submitter. Criteria: Invitae Variant Classification Sherloc (09022015). Collection method: clinical testing. Allele origin: germline.

Illumina Laboratory Services, Illumina
Classification: Uncertain significance for Charcot-Marie-Tooth disease type 4B2. Last evaluated: 2018-01-12. Review status: criteria provided, single submitter. Criteria: ICSL Variant Classification Criteria 13 December 2019. Collection method: clinical testing. Allele origin: germline.